The following is an entry in ClinVar:

NM_014365.3(HSPB8):c.361G>A (p.Val121Met)

Gene: HSPB8 (heat shock protein family B (small) member 8; plus strand). Cytogenetic location: 12q24.23.
Variant type: single nucleotide variant.
Coding change: c.361G>A on transcript NM_014365.3 (MANE Select); coding-DNA position 361, G replaced by A.
Protein change: p.Val121Met; replaces valine 121 with methionine.
Molecular consequence: missense variant.
Genome position (GRCh38, 1-based): chr12:119,179,673, G>A. VCF-style: chr12-119179673-G-A. GRCh37 (hg19) VCF-style: chr12-119617478-G-A.
Other names: short protein forms V121M.
Identifiers: ClinVar variation 3695304 (VCV003695304.2).
Genomic context (GRCh38, chr12:119,179,673, plus strand): 5'-AATGTGCACAGCTTCAAGCCAGAGGAGTTGATGGTGAAGACCAAAGATGGATACGTGGAG[G>A]TGTCTGGTAAGTCAGGGGCAGGAGGGAGAGAGAATGGGGAGGCCGGGATGTAGCCCTCAG-3'
Protein context (NP_055180.1, residues 111-131): MVKTKDGYVE[Val121Met]SGKHEEKQQE

ClinVar aggregate classification (germline): Uncertain significance (1 of 4 stars; one submission).

Conditions:
Charcot-Marie-Tooth disease axonal type 2L. Also called: CHARCOT-MARIE-TOOTH DISEASE, AXONAL, AUTOSOMAL DOMINANT, TYPE 2L; CHARCOT-MARIE-TOOTH NEUROPATHY, AXONAL, TYPE 2L; Charcot-Marie-Tooth Neuropathy Type 2L. Identifiers: Orphanet 99945, MedGen C1837552, MONDO:0012096, OMIM 608673.

Submission:

Labcorp Genetics (formerly Invitae), Labcorp
Classification: Uncertain significance for Charcot-Marie-Tooth disease axonal type 2L. Last evaluated: 2024-08-10. Review status: criteria provided, single submitter. Criteria: Invitae Variant Classification Sherloc (09022015). Collection method: clinical testing. Allele origin: germline.
Comment: This sequence change replaces valine, which is neutral and non-polar, with methionine, which is neutral and non-polar, at codon 121 of the HSPB8 protein (p.Val121Met). This variant is not present in population databases (gnomAD no frequency). This variant has not been reported in the literature in individuals affected with HSPB8-related conditions. An algorithm developed to predict the effect of missense changes on protein structure and function (PolyPhen-2) suggests that this variant is likely to be disruptive. In summary, the available evidence is currently insufficient to determine the role of this variant in disease. Therefore, it has been classified as a Variant of Uncertain Significance.